The following is an entry in ClinVar:

ClinVar aggregate classification (germline): Likely benign (1 of 4 stars; one submission).

Submission:

CeGaT Center for Human Genetics Tuebingen
Classification: Likely benign. Last evaluated: 2024-04-01. Review status: criteria provided, single submitter. Criteria: CeGaT Center For Human Genetics Tuebingen Variant Classification Criteria Version 2. Collection method: clinical testing. Allele origin: germline. Affected: yes. Observed: 1 variant allele.
Comment: MUC4: BP4, BP7

NM_018406.7(MUC4):c.5871C>T (p.Asp1957=)

Gene: MUC4 (mucin 4, cell surface associated). Cytogenetic location: 3q29.
Variant type: single nucleotide variant.
Coding change: c.5871C>T on transcript NM_018406.7 (MANE Select); coding-DNA position 5871, C replaced by T.
Protein change: p.Asp1957=; no amino-acid change (aspartic acid 1957 retained).
Molecular consequence: synonymous variant. On other transcripts: genic upstream transcript variant (2).
Genome position (GRCh38, 1-based): chr3:195,785,709, G>A on the plus strand (C>T on the coding strand, the complement: MUC4 is on the minus strand). VCF-style: chr3-195785709-G-A. GRCh37 (hg19) VCF-style: chr3-195512580-G-A.
Other names: c.8526C>T, p.Asp2842= (NM_001322468.1); c.83-11404C>T (NM_138297.5); c.83-7254C>T (NM_004532.6).
Identifiers: ClinVar variation 3234358 (VCV003234358.20), dbSNP rs747430233, ClinGen allele CA2773436.